The following is an entry in ClinVar:

NM_001394062.1(MACF1):c.14296C>T (p.Arg4766Cys)

Gene: MACF1 (microtubule actin crosslinking factor 1; plus strand). Cytogenetic location: 1p34.3.
Variant type: single nucleotide variant.
Coding change: c.14296C>T on transcript NM_001394062.1 (MANE Select); coding-DNA position 14296, C replaced by T.
Protein change: p.Arg4766Cys; replaces arginine 4766 with cysteine.
Molecular consequence: missense variant.
Genome position (GRCh38, 1-based): chr1:39,385,881, C>T. VCF-style: chr1-39385881-C-T. GRCh37 (hg19) VCF-style: chr1-39851553-C-T.
Other names: c.8110C>T, p.Arg2704Cys (NM_012090.5); short protein forms R4766C, R2704C.
Identifiers: ClinVar variation 3121892 (VCV003121892.2), dbSNP rs1470253587, ClinGen allele CA339836149.

ClinVar aggregate classification (germline): Conflicting classifications of pathogenicity. Review status: criteria provided, conflicting classifications (1 of 4 stars). 2 submissions from 2 submitters: Uncertain significance (1); Likely benign (1). Last evaluated 2024-10-13.

Conditions:
Inborn genetic diseases. Identifiers: MedGen C0950123, MeSH D030342.
Lissencephaly 9 with complex brainstem malformation. Identifiers: Orphanet 572013, MedGen C5193029, MONDO:0032677, OMIM 618325.

Allele frequency attached by ClinVar (database versions not stated): TOPMed below 0.00001; gnomAD exomes 0.00001.
gnomAD v4.1: 13 of 1,613,726 alleles (0.00081%); highest among the groups gnomAD compares: South Asian, 0.0022%; no homozygotes.

Submissions (2):

Genomic Medicine Center of Excellence, King Faisal Specialist Hospital and Research Centre
Classification: Likely benign for Lissencephaly 9 with complex brainstem malformation. Last evaluated: 2024-10-13. Review status: criteria provided, single submitter. Criteria: ACMG Guidelines, 2015. Collection method: clinical testing. Allele origin: germline.
Comment: This variant (GRCh38; NM_012090.5:c.8110C>T:p.Arg2704Cys) results in a missense mutation with the conversion of Arginine (Basic amino acid) to Cysteine (polar amino acid) in the MACF1 protein. Observed in healthy adults individual for a dominant disorder. Missense variant in a gene for which primarily truncating variants are known to cause disease. A literature search was performed for the gene and associated variants. Based on this search no publications were found. Lack of segregation in affected family members (internal) ClinVar contains an entry for this variant (Variation ID:3121892) This variant is therefore classified as variant of Likely benign.

Ambry Genetics
Classification: Uncertain significance for Inborn genetic diseases. Last evaluated: 2023-09-29. Review status: criteria provided, single submitter. Criteria: Ambry Variant Classification Scheme 2023. Collection method: clinical testing. Allele origin: germline.